The following is an entry in ClinVar:

NM_006306.4(SMC1A):c.381C>T (p.Leu127=)

Gene: SMC1A (structural maintenance of chromosomes 1A; minus strand). Cytogenetic location: Xp11.22.
Variant type: single nucleotide variant.
Coding change: c.381C>T on transcript NM_006306.4 (MANE Select); coding-DNA position 381, C replaced by T.
Protein change: p.Leu127=; no amino-acid change (leucine 127 retained).
Molecular consequence: synonymous variant.
Genome position (GRCh38, 1-based): chrX:53,414,788, G>A on the plus strand (C>T on the coding strand, the complement: SMC1A is on the minus strand). VCF-style: chrX-53414788-G-A. GRCh37 (hg19) VCF-style: chrX-53441737-G-A.
Other names: c.315C>T, p.Leu105= (NM_001281463.1).
Identifiers: ClinVar variation 916373 (VCV000916373.40), dbSNP rs782546548, ClinGen allele CA10420677.

ClinVar aggregate classification (germline): Likely benign (1 of 4 stars; one submission).

Allele frequency attached by ClinVar (database versions not stated): gnomAD exomes below 0.00001 and 0.00001; TOPMed below 0.00001; ExAC 0.00001.
gnomAD v4.1: 3 of 1,205,742 alleles (0.00025%); highest among the groups gnomAD compares: South Asian, 0.0035%; no homozygotes.

Submission:

CeGaT Center for Human Genetics Tuebingen
Classification: Likely benign. Last evaluated: 2022-06-01. Review status: criteria provided, single submitter. Criteria: CeGaT Center For Human Genetics Tuebingen Variant Classification Criteria Version 2. Collection method: clinical testing. Allele origin: germline. Affected: yes. Observed: 2 variant alleles.
Comment: SMC1A: BP4, BP7